The following is an entry in ClinVar:

ClinVar aggregate classification (germline): Uncertain significance (1 of 4 stars; one submission).

Submission:

Labcorp Genetics (formerly Invitae), Labcorp
Classification: Uncertain significance. Last evaluated: 2022-07-06. Review status: criteria provided, single submitter. Criteria: Invitae Variant Classification Sherloc (09022015). Collection method: clinical testing. Allele origin: germline.
Comment: In summary, the available evidence is currently insufficient to determine the role of this variant in disease. Therefore, it has been classified as a Variant of Uncertain Significance. Algorithms developed to predict the effect of missense changes on protein structure and function (SIFT, PolyPhen-2, Align-GVGD) all suggest that this variant is likely to be tolerated. ClinVar contains an entry for this variant (Variation ID: 1038599). This variant has not been reported in the literature in individuals affected with BEST1-related conditions. This variant is not present in population databases (gnomAD no frequency). This sequence change replaces isoleucine, which is neutral and non-polar, with leucine, which is neutral and non-polar, at codon 129 of the BEST1 protein (p.Ile129Leu).

NM_004183.4(BEST1):c.385A>C (p.Ile129Leu)

Gene: BEST1 (bestrophin 1; plus strand). Cytogenetic location: 11q12.3.
Variant type: single nucleotide variant.
Coding change: c.385A>C on transcript NM_004183.4 (MANE Select); coding-DNA position 385, A replaced by C.
Protein change: p.Ile129Leu; replaces isoleucine 129 with leucine.
Molecular consequence: missense variant. On other transcripts: non-coding transcript variant (1).
Genome position (GRCh38, 1-based): chr11:61,955,855, A>C. VCF-style: chr11-61955855-A-C. GRCh37 (hg19) VCF-style: chr11-61723327-A-C.
Other names: c.205A>C, p.Ile69Leu (NM_001139443.3, NM_001300786.2, NM_001300787.2); c.67A>C, p.Ile23Leu (NM_001363591.3); c.385A>C, p.Ile129Leu (NM_001363592.2); c.-791A>C (NM_001363593.3); short protein forms I69L, I129L, I23L.
Identifiers: ClinVar variation 1038599 (VCV001038599.8), dbSNP rs1941270968, ClinGen allele CA380834898.